The following is an entry in ClinVar:

ClinVar aggregate classification (germline): Likely benign (1 of 4 stars; one submission).

Conditions:
Craniofaciocardiohepatic syndrome. Identifiers: MedGen C6012720, MONDO:0978295, OMIM 621192.

Submission:

Centre for Medical Genetics,  Mumbai
Classification: Likely benign for Craniofaciocardiohepatic syndrome. Last evaluated: 2026-04-08. Review status: criteria provided, single submitter. Criteria: ACMG Guidelines, 2015. Collection method: provider interpretation. Allele origin: germline. Inheritance: Autosomal dominant inheritance. Affected: no. Observed: 1 variant allele, 1 heterozygote.
Comment: The variant satisfies PM2 criteria - extremely low frequency in gnomAD population databases. The variant satisfies PM4 criteria - protein length changes resulting from in-frame deletions/insertions in a non-repeat region or a stop-loss variant. However, the variant satisfies BS2 criteria - present in heterozygous state in an individual that clinically does not have Craniofaciocardiohepatic syndrome.

Literature cited by the submitters: PubMed 30375152.

NM_130847.3(AMOTL1):c.120_122del (p.Asp41del)

Gene: AMOTL1 (angiomotin like 1; plus strand). Cytogenetic location: 11q21.
Variant type: Deletion.
Coding change: c.120_122del on transcript NM_130847.3 (MANE Select); coding-DNA positions 120 to 122, 3 bases deleted (AGA; older notation c.120_122delAGA).
Protein change: p.Asp41del; deletes aspartic acid 41.
Molecular consequence: intron variant (on NM_001301007.2).
Genome position (GRCh38, 1-based): chr11:94,795,081-94,795,083, AGA deleted. VCF-style (leftmost placement, unchanged base first): chr11-94795080-CAGA-C. GRCh37 (hg19) VCF-style: chr11-94528246-CAGA-C.
Other names: c.50-4309_50-4307del (NM_001301007.2); short protein forms D41del.
Identifiers: ClinVar variation 4851341 (VCV004851341.1).